The following is an entry in ClinVar:

NM_000078.3(CETP):c.358A>G (p.Thr120Ala)

Gene: CETP (cholesteryl ester transfer protein; plus strand). Cytogenetic location: 16q13.
Variant type: single nucleotide variant.
Coding change: c.358A>G on transcript NM_000078.3 (MANE Select); coding-DNA position 358, A replaced by G.
Protein change: p.Thr120Ala; replaces threonine 120 with alanine.
Molecular consequence: missense variant.
Genome position (GRCh38, 1-based): chr16:56,969,510, A>G. VCF-style: chr16-56969510-A-G. GRCh37 (hg19) VCF-style: chr16-57003422-A-G.
Other names: c.358A>G, p.Thr120Ala (NM_001286085.2); short protein forms T120A.
Identifiers: ClinVar variation 2963051 (VCV002963051.3), dbSNP rs758294261, ClinGen allele CA8070875.

ClinVar aggregate classification (germline): Uncertain significance (1 of 4 stars; one submission).

Allele frequency attached by ClinVar (database versions not stated): ExAC 0.00002; TOPMed 0.00004; gnomAD 0.00005.
gnomAD v4.1: 14 of 1,614,062 alleles (0.00087%); highest among the groups gnomAD compares: African/African-American, 0.016%; no homozygotes.

Submission:

Labcorp Genetics (formerly Invitae), Labcorp
Classification: Uncertain significance. Last evaluated: 2024-01-31. Review status: criteria provided, single submitter. Criteria: Invitae Variant Classification Sherloc (09022015). Collection method: clinical testing. Allele origin: germline.
Comment: This sequence change replaces threonine, which is neutral and polar, with alanine, which is neutral and non-polar, at codon 120 of the CETP protein (p.Thr120Ala). This variant is present in population databases (rs758294261, gnomAD 0.02%). This variant has not been reported in the literature in individuals affected with CETP-related conditions. Algorithms developed to predict the effect of missense changes on protein structure and function output the following: SIFT: "Not Available"; PolyPhen-2: "Benign"; Align-GVGD: "Not Available". The alanine amino acid residue is found in multiple mammalian species, which suggests that this missense change does not adversely affect protein function. In summary, the available evidence is currently insufficient to determine the role of this variant in disease. Therefore, it has been classified as a Variant of Uncertain Significance.